The following is an entry in ClinVar:

NM_002519.3(NPAT):c.288C>G (p.Ile96Met)

Gene: NPAT (nuclear protein, coactivator of histone transcription; minus strand). Cytogenetic location: 11q22.3.
Variant type: single nucleotide variant.
Coding change: c.288C>G on transcript NM_002519.3 (MANE Select); coding-DNA position 288, C replaced by G.
Protein change: p.Ile96Met; replaces isoleucine 96 with methionine.
Molecular consequence: missense variant.
Genome position (GRCh38, 1-based): chr11:108,192,120, G>C on the plus strand (C>G on the coding strand, the complement: NPAT is on the minus strand). VCF-style: chr11-108192120-G-C. GRCh37 (hg19) VCF-style: chr11-108062847-G-C.
Other names: c.288C>G, p.Ile96Met (NM_001321307.1); short protein forms I96M.
Identifiers: ClinVar variation 1797269 (VCV001797269.2), dbSNP rs2496751238, ClinGen allele CA382526496.
Genomic context (GRCh38, chr11:108,192,120, plus strand): 5'-TAAACCCAAAGTGTATTTGCATTCCAAAATCATTAGGCACATTCTAATAGCTTATTACCT[G>C]ATCTGAGAAAGTGTATGGTCCAATTTCTTCCATAGAGATGACATTATTGCTGGGACATTA-3'
Protein context (NP_002510.2, residues 86-106): WKKLDHTLSQ[Ile96Met]RSMQSSPRFA

ClinVar aggregate classification (germline): Uncertain significance (1 of 4 stars; one submission).

Submission:

Ambry Genetics
Classification: Uncertain significance. Last evaluated: 2022-07-17. Review status: criteria provided, single submitter. Criteria: Ambry Variant Classification Scheme 2023. Collection method: clinical testing. Allele origin: germline.
Comment: The p.I96M variant (also known as c.288C>G), located in coding exon 4 of the NPAT gene, results from a C to G substitution at nucleotide position 288. The isoleucine at codon 96 is replaced by methionine, an amino acid with highly similar properties. This amino acid position is conserved. In addition, the in silico prediction for this alteration is inconclusive. Since supporting evidence is limited at this time, the clinical significance of this alteration remains unclear.